The following is an entry in ClinVar:

NM_001374736.1(DST):c.14312C>T (p.Ser4771Leu)

Gene: DST (dystonin; minus strand). Cytogenetic location: 6p12.1.
Variant type: single nucleotide variant.
Coding change: c.14312C>T on transcript NM_001374736.1 (MANE Select); coding-DNA position 14312, C replaced by T.
Protein change: p.Ser4771Leu; replaces serine 4771 with leucine.
Molecular consequence: missense variant.
Genome position (GRCh38, 1-based): chr6:56,560,422, G>A on the plus strand (C>T on the coding strand, the complement: DST is on the minus strand). VCF-style: chr6-56560422-G-A. GRCh37 (hg19) VCF-style: chr6-56425220-G-A.
Other names: p.Ser2148Leu; c.7421C>T, p.Ser2474Leu (NM_183380.4, NM_001374730.1, NM_001386100.1); c.7955C>T, p.Ser2652Leu (NM_001144769.5); c.7541C>T, p.Ser2514Leu (NM_001144770.2); c.14312C>T, p.Ser4771Leu (NM_001374722.1); c.13679C>T, p.Ser4560Leu (NM_001374729.1); c.14339C>T, p.Ser4780Leu (NM_001374734.1); c.6443C>T, p.Ser2148Leu (NM_015548.5); short protein forms S4771L, S4780L, S2474L, S2652L, S2514L, S2148L, S4560L.
Identifiers: ClinVar variation 795686 (VCV000795686.14), dbSNP rs62619760, ClinGen allele CA3868047.
Genomic context (GRCh38, chr6:56,560,422, plus strand): 5'-GTCAATTTGTCTTTCAACTCCTGTACTTTGTTTACATTCTGCTTCAGTTCTGCCTCAAAC[G>A]ACTAACAAGGGAAAAATAATAATAAATCATGTGTACAGCAAAAGACAAAAATACAATAAT-3'
Protein context (NP_001361665.1, residues 4761-4781): AVKTQVEQNK[Ser4771Leu]FEAELKQNVN

ClinVar aggregate classification (germline): Benign/Likely benign. Review status: criteria provided, multiple submitters, no conflicts (2 of 4 stars). 3 submissions from 3 submitters: Benign (2); Likely benign (1). Last evaluated 2026-01-27.

Conditions:
Hereditary sensory and autonomic neuropathy type 6. Also called: HSAN VI; Neuropathy, hereditary sensory and autonomic, type VI. Identifiers: Orphanet 314381, MedGen C3539003, MONDO:0013839, OMIM 614653.
Epidermolysis bullosa simplex 3, localized or generalized intermediate, with BP230 deficiency (EBS3). Also called: Epidermolysis bullosa simplex, autosomal recessive 2; Epidermolysis bullosa simplex due to BP230 deficiency. Identifiers: Orphanet 412181, MedGen C3809470, MONDO:0014180, OMIM 615425.

Allele frequency attached by ClinVar (database versions not stated): gnomAD exomes 0.00087 and 0.00226; gnomAD 0.00802 and 0.00847; 1000 Genomes Project 0.01098; 1000 Genomes Project 30x 0.01124; ExAC 0.00421; ESP Exome Variant Server 0.00938; TOPMed 0.00918.
gnomAD v4.1: 2,529 of 1,589,664 alleles (0.16%); highest among the groups gnomAD compares: African/African-American, 2.9%; 35 homozygotes.

Submissions (3):

Labcorp Genetics (formerly Invitae), Labcorp
Classification: Benign for Epidermolysis bullosa simplex 3, localized or generalized intermediate, with BP230 deficiency; Hereditary sensory and autonomic neuropathy type 6. Last evaluated: 2026-01-27. Review status: criteria provided, single submitter. Criteria: Invitae Variant Classification Sherloc (09022015). Collection method: clinical testing. Allele origin: germline.

Mayo Clinic Laboratories, Mayo Clinic
Classification: Benign. Last evaluated: 2021-08-17. Review status: criteria provided, single submitter. Criteria: ACMG Guidelines, 2015. Collection method: clinical testing. Allele origin: germline. Observed: 6 variant alleles.

GeneDx
Classification: Likely benign. Last evaluated: 2021-05-25. Review status: criteria provided, single submitter. Criteria: GeneDx Variant Classification Process June 2021. Collection method: clinical testing. Allele origin: germline. Affected: yes.
Comment: See Variant Classification Assertion Criteria.